The following is an entry in ClinVar:

NM_173630.4(RTTN):c.6643_6652del (p.Cys2215fs)

Gene: RTTN (rotatin; minus strand). Cytogenetic location: 18q22.2.
Variant type: Deletion.
Coding change: c.6643_6652del on transcript NM_173630.4 (MANE Select); coding-DNA positions 6643 to 6652, 10 bases deleted (TGTCTTGAAA; older notation c.6643_6652delTGTCTTGAAA).
Protein change: p.Cys2215fs; shifts the reading frame from cysteine 2215.
Molecular consequence: frameshift variant.
Genome position (GRCh38, 1-based): chr18:70,004,180-70,004,189, TTTCAAGACA deleted on the plus strand (TGTCTTGAAA on the coding strand, the reverse complement: RTTN is on the minus strand); deleting any 10 consecutive bases within chr18:70,004,180-70,004,195 gives the same sequence; the c. name uses the placement nearest the transcript's 3' end. VCF-style (leftmost placement, unchanged base first): chr18-70004179-TTTTCAAGACA-T. GRCh37 (hg19) VCF-style: chr18-67671415-TTTTCAAGACA-T.
Other names: c.3907_3916del, p.Cys1303fs (NM_001318520.2); c.6643_6652del10 (NM_173630.4); short protein forms C1303fs, C2215fs.
Identifiers: ClinVar variation 3896086 (VCV003896086.1).

ClinVar aggregate classification (germline): Uncertain significance (1 of 4 stars; one submission).

Submission:

Women's Health and Genetics/Laboratory Corporation of America, LabCorp
Classification: Uncertain significance. Last evaluated: 2025-03-19. Review status: criteria provided, single submitter. Criteria: LabCorp Variant Classification Summary - May 2015. Collection method: clinical testing. Allele origin: germline.
Comment: Variant summary: RTTN c.6643_6652del10 (p.Cys2215ThrfsX27) causes a frameshift which results in an extension of the protein. The variant was absent in 249324 control chromosomes. The available data on variant occurrences in the general population are insufficient to allow any conclusion about variant significance. To our knowledge, no occurrence of c.6643_6652del10 in individuals affected with Microcephalic Primordial Dwarfism Due To RTTN Deficiency and no experimental evidence demonstrating its impact on protein function have been reported. No submitters have cited clinical-significance assessments for this variant to ClinVar. Based on the evidence outlined above, the variant was classified as uncertain significance.